The following is an entry in ClinVar:

ClinVar aggregate classification (germline): Likely benign. Review status: criteria provided, multiple submitters, no conflicts (2 of 4 stars). 2 submissions from 2 submitters: Likely benign (2). Last evaluated 2023-05-16.

Conditions:
Wilson disease (WND). Also called: Wilson's disease. Identifiers: Orphanet 905, MedGen C0019202, MONDO:0010200, OMIM 277900. Disease mechanism: loss of function.

Submissions (2):

All of Us Research Program, National Institutes of Health
Classification: Likely benign for Wilson disease. Last evaluated: 2023-05-16. Review status: criteria provided, single submitter. Criteria: ACMG Guidelines, 2015. Collection method: clinical testing. Allele origin: germline. Inheritance: Autosomal recessive inheritance. Observed: 1 variant allele, 1 heterozygote.
Comment: This study involves interpretation of variants in research participants for the purpose of population health screening. Participant phenotype was not available at the time of variant classification. Additional details can be found in publication PMID: 35346344, PMCID: PMC8962531

Labcorp Genetics (formerly Invitae), Labcorp
Classification: Likely benign for Wilson disease. Last evaluated: 2023-03-02. Review status: criteria provided, single submitter. Criteria: Invitae Variant Classification Sherloc (09022015). Collection method: clinical testing. Allele origin: germline.

NM_000053.4(ATP7B):c.2445C>T (p.Ile815=)

Gene: ATP7B (ATPase copper transporting beta; minus strand). Cytogenetic location: 13q14.3.
Variant type: single nucleotide variant.
Coding change: c.2445C>T on transcript NM_000053.4 (MANE Select); coding-DNA position 2445, C replaced by T.
Protein change: p.Ile815=; no amino-acid change (isoleucine 815 retained).
Molecular consequence: synonymous variant. On other transcripts: intron variant (1).
Genome position (GRCh38, 1-based): chr13:51,957,518, G>A on the plus strand (C>T on the coding strand, the complement: ATP7B is on the minus strand). VCF-style: chr13-51957518-G-A. GRCh37 (hg19) VCF-style: chr13-52531654-G-A.
Other names: c.1959C>T, p.Ile653= (NM_001005918.3, NM_001406541.1, NM_001406542.1 and 1 more transcripts); c.2112C>T, p.Ile704= (NM_001243182.2); c.2211C>T, p.Ile737= (NM_001330578.2, NM_001406527.1, NM_001406528.1 and 2 more transcripts); c.2193C>T, p.Ile731= (NM_001330579.2, NM_001406531.1, NM_001406532.1 and 1 more transcripts); c.2445C>T, p.Ile815= (NM_001406511.1, NM_001406512.1, NM_001406513.1 and 7 more transcripts); c.2412C>T, p.Ile804= (NM_001406514.1); c.2349C>T, p.Ile783= (NM_001406517.1, NM_001406518.1); c.2301C>T, p.Ile767= (NM_001406520.1, NM_001406521.1, NM_001406522.1 and 1 more transcripts); and 8 more.
Identifiers: ClinVar variation 2842165 (VCV002842165.4), dbSNP rs1219335016, ClinGen allele CA483895945.
Genomic context (GRCh38, chr13:51,957,518, plus strand): 5'-GCAGCTCACACAGATTGATAGATACCAACCACAAAGACATTTGATAACCATAACTCACCT[G>A]ATGATTAAATTGTCCTCACCAAGGGTCACAACGGTGGCTTCTGTGGCTTGGAGAGACATG-3'
Protein context (NP_000044.2, residues 805-825): VVTLGEDNLI[Ile815=]REEQVPMELV